The following is an entry in ClinVar:

ClinVar aggregate classification (germline): Benign. Review status: criteria provided, multiple submitters, no conflicts (2 of 4 stars). 3 submissions from 3 submitters: Benign (2). 1 of the submissions does not count toward it. Last evaluated 2026-02-01.

Allele frequency attached by ClinVar (database versions not stated): ESP Exome Variant Server 0.01499; gnomAD exomes 0.01672 and 0.01763; ExAC 0.01605; 1000 Genomes Project 0.00899; 1000 Genomes Project 30x 0.00937; gnomAD 0.01436; TOPMed 0.01437.
gnomAD v4.1: 28,197 of 1,614,104 alleles (1.7%); highest among the groups gnomAD compares: Middle Eastern, 4.3%; 350 homozygotes.

Submissions (3):

Labcorp Genetics (formerly Invitae), Labcorp
Classification: Benign. Last evaluated: 2026-02-01. Review status: criteria provided, single submitter. Criteria: Invitae Variant Classification Sherloc (09022015). Collection method: clinical testing. Allele origin: germline.

Breakthrough Genomics
Classification: Benign. Review status: criteria provided, single submitter. Criteria: ACMG Guidelines, 2015. Collection method: not provided. Allele origin: germline. Inheritance: Autosomal recessive inheritance. Affected: yes.

Genetic Services Laboratory, University of Chicago
Classification: Likely benign for AllHighlyPenetrant. Review status: no assertion criteria provided. Collection method: clinical testing. Allele origin: germline. Inheritance: Autosomal recessive inheritance. Not counted in ClinVar's aggregate classification.
Comment: Likely benign based on allele frequency in 1000 Genomes Project or ESP global frequency and its presence in a patient with a rare or unrelated disease phenotype. NOT Sanger confirmed.

NM_020921.4(NIN):c.2651A>G (p.Lys884Arg)

Gene: NIN (ninein; minus strand). Cytogenetic location: 14q22.1.
Variant type: single nucleotide variant.
Coding change: c.2651A>G on transcript NM_020921.4 (MANE Select); coding-DNA position 2651, A replaced by G.
Protein change: p.Lys884Arg; replaces lysine 884 with arginine.
Molecular consequence: missense variant. On other transcripts: intron variant (1).
Genome position (GRCh38, 1-based): chr14:50,758,379, T>C on the plus strand (A>G on the coding strand, the complement: NIN is on the minus strand). VCF-style: chr14-50758379-T-C. GRCh37 (hg19) VCF-style: chr14-51225097-T-C.
Other names: c.2651A>G, p.Lys884Arg (NM_182944.3, NM_182946.2); c.2399+1478A>G (NM_016350.5); short protein forms K884R.
Identifiers: ClinVar variation 129784 (VCV000129784.14), dbSNP rs41299191, ClinGen allele CA154083.